The following is an entry in ClinVar:

NM_006912.6(RIT1):c.317G>A (p.Arg106Gln)

Gene: RIT1 (Ras like without CAAX 1; minus strand). Cytogenetic location: 1q22.
Variant type: single nucleotide variant.
Coding change: c.317G>A on transcript NM_006912.6 (MANE Select); coding-DNA position 317, G replaced by A.
Protein change: p.Arg106Gln; replaces arginine 106 with glutamine.
Molecular consequence: missense variant.
Genome position (GRCh38, 1-based): chr1:155,904,423, C>T on the plus strand (G>A on the coding strand, the complement: RIT1 is on the minus strand). VCF-style: chr1-155904423-C-T. GRCh37 (hg19) VCF-style: chr1-155874214-C-T.
Other names: c.209G>A, p.Arg70Gln (NM_001256820.2); c.368G>A, p.Arg123Gln (NM_001256821.2); short protein forms R106Q, R123Q, R70Q.
Identifiers: ClinVar variation 3363364 (VCV003363364.1).

ClinVar aggregate classification (germline): Uncertain significance (1 of 4 stars; one submission).

Submission:

GeneDx
Classification: Uncertain significance. Last evaluated: 2023-10-23. Review status: criteria provided, single submitter. Criteria: GeneDx Variant Classification Process June 2021. Collection method: clinical testing. Allele origin: germline. Affected: yes.
Comment: Not observed at significant frequency in large population cohorts (gnomAD); In silico analysis supports that this missense variant does not alter protein structure/function; Has not been previously published as pathogenic or benign to our knowledge